The following is an entry in ClinVar:

NM_001077653.2(TBX20):c.1111A>G (p.Ser371Gly)

Gene: TBX20 (T-box transcription factor 20; minus strand). Cytogenetic location: 7p14.2.
Variant type: single nucleotide variant.
Coding change: c.1111A>G on transcript NM_001077653.2 (MANE Select); coding-DNA position 1111, A replaced by G.
Protein change: p.Ser371Gly; replaces serine 371 with glycine.
Molecular consequence: missense variant.
Genome position (GRCh38, 1-based): chr7:35,202,663, T>C on the plus strand (A>G on the coding strand, the complement: TBX20 is on the minus strand). VCF-style: chr7-35202663-T-C. GRCh37 (hg19) VCF-style: chr7-35242275-T-C.
Other names: short protein forms S371G.
Identifiers: ClinVar variation 3966266 (VCV003966266.1).

ClinVar aggregate classification (germline): Uncertain significance (1 of 4 stars; one submission).

Conditions:
Cardiovascular phenotype. Identifiers: MedGen CN230736.

gnomAD v4.1: 12 of 1,613,434 alleles (0.00074%); highest among the groups gnomAD compares: Admixed American, 0.0033%; no homozygotes.

Submission:

Ambry Genetics
Classification: Uncertain significance for Cardiovascular phenotype. Last evaluated: 2025-05-27. Review status: criteria provided, single submitter. Criteria: Ambry Variant Classification Scheme 2023. Collection method: clinical testing. Allele origin: germline.
Comment: The p.S371G variant (also known as c.1111A>G), located in coding exon 8 of the TBX20 gene, results from an A to G substitution at nucleotide position 1111. The serine at codon 371 is replaced by glycine, an amino acid with similar properties. This amino acid position is conserved. In addition, this alteration is predicted to be tolerated by in silico analysis. Based on the available evidence, the clinical significance of this variant remains unclear.